The following is an entry in ClinVar:

ClinVar aggregate classification (germline): Uncertain significance (1 of 4 stars; one submission).

gnomAD v4.1: 2 of 1,504,462 alleles (0.00013%); highest among the groups gnomAD compares: Non-Finnish European, 0.00018%; no homozygotes.

Submission:

GeneDx
Classification: Uncertain significance. Last evaluated: 2023-11-14. Review status: criteria provided, single submitter. Criteria: GeneDx Variant Classification Process June 2021. Collection method: clinical testing. Allele origin: germline. Affected: yes.
Comment: Not observed at significant frequency in large population cohorts (gnomAD); In silico analysis supports that this missense variant has a deleterious effect on protein structure/function; Has not been previously published as pathogenic or benign to our knowledge

NM_006012.4(CLPP):c.137G>T (p.Arg46Leu)

Gene: CLPP (caseinolytic mitochondrial matrix peptidase proteolytic subunit; plus strand). Cytogenetic location: 19p13.3.
Variant type: single nucleotide variant.
Coding change: c.137G>T on transcript NM_006012.4 (MANE Select); coding-DNA position 137, G replaced by T.
Protein change: p.Arg46Leu; replaces arginine 46 with leucine.
Molecular consequence: missense variant.
Genome position (GRCh38, 1-based): chr19:6,361,711, G>T. VCF-style: chr19-6361711-G-T. GRCh37 (hg19) VCF-style: chr19-6361722-G-T.
Other names: short protein forms R46L.
Identifiers: ClinVar variation 3363805 (VCV003363805.1).